The following is an entry in ClinVar:

NM_000393.5(COL5A2):c.3246G>T (p.Gln1082His)

Gene: COL5A2 (collagen type V alpha 2 chain; minus strand). Cytogenetic location: 2q32.2.
Variant type: single nucleotide variant.
Coding change: c.3246G>T on transcript NM_000393.5 (MANE Select); coding-DNA position 3246, G replaced by T.
Protein change: p.Gln1082His; replaces glutamine 1082 with histidine.
Molecular consequence: missense variant.
Genome position (GRCh38, 1-based): chr2:189,045,863, C>A on the plus strand (G>T on the coding strand, the complement: COL5A2 is on the minus strand). VCF-style: chr2-189045863-C-A. GRCh37 (hg19) VCF-style: chr2-189910589-C-A.
Other names: short protein forms Q1082H.
Identifiers: ClinVar variation 3698397 (VCV003698397.2).

ClinVar aggregate classification (germline): Uncertain significance (1 of 4 stars; one submission).

Conditions:
Ehlers-Danlos syndrome, classic type, 1 (EDSCL1). Also called: EHLERS-DANLOS SYNDROME, GRAVIS TYPE; EHLERS-DANLOS SYNDROME, SEVERE CLASSIC TYPE; Ehlers-Danlos syndrome, type 1; Ehlers-Danlos Syndrome, Classic Type, COL5A1-Related; EDS I. Identifiers: MedGen C0268335, MONDO:0019567, OMIM 130000.

gnomAD v4.1: 4 of 1,614,166 alleles (0.00025%); highest among the groups gnomAD compares: Non-Finnish European, 0.00034%; no homozygotes.

Submission:

Labcorp Genetics (formerly Invitae), Labcorp
Classification: Uncertain significance for Ehlers-Danlos syndrome, classic type, 1. Last evaluated: 2024-11-21. Review status: criteria provided, single submitter. Criteria: Invitae Variant Classification Sherloc (09022015). Collection method: clinical testing. Allele origin: germline.
Comment: This sequence change replaces glutamine, which is neutral and polar, with histidine, which is basic and polar, at codon 1082 of the COL5A2 protein (p.Gln1082His). This variant is not present in population databases (gnomAD no frequency). This variant has not been reported in the literature in individuals affected with COL5A2-related conditions. Invitae Evidence Modeling of protein sequence and biophysical properties (such as structural, functional, and spatial information, amino acid conservation, physicochemical variation, residue mobility, and thermodynamic stability) indicates that this missense variant is not expected to disrupt COL5A2 protein function with a negative predictive value of 80%. In summary, the available evidence is currently insufficient to determine the role of this variant in disease. Therefore, it has been classified as a Variant of Uncertain Significance.